The following is an entry in ClinVar:

ClinVar aggregate classification (germline): Benign/Likely benign. Review status: criteria provided, multiple submitters, no conflicts (2 of 4 stars). 5 submissions from 5 submitters: Benign (1); Likely benign (4). Last evaluated 2025-12-03.

Conditions:
Classic or attenuated familial adenomatous polyposis. Identifiers: MedGen CN372698, MONDO:0021057.
Hereditary cancer-predisposing syndrome. Also called: Tumor predisposition; Hereditary neoplastic syndrome; Hereditary Cancer Syndrome; Neoplastic Syndromes, Hereditary. Identifiers: Orphanet 140162, MedGen C0027672, MeSH D009386, MONDO:0015356.
Familial adenomatous polyposis 1 (FAP1). Also called: POLYPOSIS, ADENOMATOUS INTESTINAL; FAMILIAL ADENOMATOUS POLYPOSIS 1, ATTENUATED. Identifiers: MedGen C2713442, MONDO:0021056, OMIM 175100. Disease mechanism: loss of function.

Allele frequency attached by ClinVar (database versions not stated): TOPMed below 0.00001; ExAC 0.00001.
gnomAD v4.1: 1 of 1,614,168 alleles (0.000062%); highest among the groups gnomAD compares: Non-Finnish European, 0.000085%; no homozygotes.

Submissions (5):

Labcorp Genetics (formerly Invitae), Labcorp
Classification: Likely benign for Familial adenomatous polyposis 1. Last evaluated: 2025-12-03. Review status: criteria provided, single submitter. Criteria: Invitae Variant Classification Sherloc (09022015). Collection method: clinical testing. Allele origin: germline.

Myriad Genetics, Inc.
Classification: Benign for Familial adenomatous polyposis 1. Last evaluated: 2024-03-14. Review status: criteria provided, single submitter. Criteria: Myriad Autosomal Dominant, Autosomal Recessive and X-Linked Classification Criteria (2023). Collection method: clinical testing. Allele origin: unknown.
Comment: This variant is considered benign. This variant is a silent/synonymous amino acid change and it is not expected to impact splicing.

All of Us Research Program, National Institutes of Health
Classification: Likely benign for Classic or attenuated familial adenomatous polyposis. Last evaluated: 2023-08-15. Review status: criteria provided, single submitter. Criteria: ACMG Guidelines, 2015. Collection method: clinical testing. Allele origin: germline. Inheritance: Autosomal dominant inheritance. Observed: 4 variant alleles, 4 heterozygotes.
Comment: This study involves interpretation of variants in research participants for the purpose of population health screening. Participant phenotype was not available at the time of variant classification. Additional details can be found in publication PMID: 35346344, PMCID: PMC8962531

Color Diagnostics, LLC DBA Color Health
Classification: Likely benign for Hereditary cancer-predisposing syndrome. Last evaluated: 2020-01-15. Review status: criteria provided, single submitter. Criteria: ACMG Guidelines, 2015. Collection method: clinical testing. Allele origin: germline.

Ambry Genetics
Classification: Likely benign for Hereditary cancer-predisposing syndrome. Last evaluated: 2018-01-19. Review status: criteria provided, single submitter. Criteria: Ambry Variant Classification Scheme 2023. Collection method: clinical testing. Allele origin: germline.

NM_000038.6(APC):c.2544A>G (p.Lys848=)

Gene: APC (APC regulator of Wnt signaling pathway; plus strand). Cytogenetic location: 5q22.2.
Variant type: single nucleotide variant.
Coding change: c.2544A>G on transcript NM_000038.6 (MANE Select); coding-DNA position 2544, A replaced by G.
Protein change: p.Lys848=; no amino-acid change (lysine 848 retained).
Molecular consequence: synonymous variant.
Genome position (GRCh38, 1-based): chr5:112,838,138, A>G. VCF-style: chr5-112838138-A-G. GRCh37 (hg19) VCF-style: chr5-112173835-A-G.
Other names: c.2544A>G, p.Lys848= (NM_001127510.3, NM_001354895.2); c.2490A>G, p.Lys830= (NM_001127511.3); c.2598A>G, p.Lys866= (NM_001354896.2); c.2574A>G, p.Lys858= (NM_001354897.2); c.2469A>G, p.Lys823= (NM_001354898.2); c.2460A>G, p.Lys820= (NM_001354899.2); c.2421A>G, p.Lys807= (NM_001354900.2); c.2367A>G, p.Lys789= (NM_001354901.2); and 5 more.
Identifiers: ClinVar variation 576096 (VCV000576096.19), dbSNP rs764867930, ClinGen allele CA032456.